The following is an entry in ClinVar:

NM_005506.4(SCARB2):c.226del (p.Leu76fs)

Gene: SCARB2 (scavenger receptor class B member 2; minus strand). Cytogenetic location: 4q21.1.
Variant type: Deletion.
Coding change: c.226del on transcript NM_005506.4 (MANE Select); coding-DNA position 226, one base deleted (C; older notation c.226delC).
Protein change: p.Leu76fs; shifts the reading frame from leucine 76.
Molecular consequence: frameshift variant.
Genome position (GRCh38, 1-based): chr4:76,195,756, G deleted on the plus strand (C on the coding strand, the reverse complement: SCARB2 is on the minus strand); the first of 2 consecutive G bases (chr4:76,195,756-76,195,757); deleting either gives the same sequence. VCF-style (leftmost placement, unchanged base first): chr4-76195755-AG-A. GRCh37 (hg19) VCF-style: chr4-77116908-AG-A.
Other names: c.226del, p.Leu76fs (NM_001204255.2); short protein forms L76fs.
Identifiers: ClinVar variation 2781498 (VCV002781498.3), dbSNP rs2476284377, ClinGen allele CA2739270101.

ClinVar aggregate classification (germline): Pathogenic (1 of 4 stars; one submission).

Conditions:
Progressive myoclonic epilepsy. Also called: Familial progressive myoclonic epilepsy; Progressive myoclonus epilepsy; Myoclonus epilepsy; Myoclonic Epilepsies, Progressive. Identifiers: Orphanet 308, Orphanet 98261, MedGen C0751778, MONDO:0020074.

Submission:

Labcorp Genetics (formerly Invitae), Labcorp
Classification: Pathogenic for Progressive myoclonic epilepsy. Last evaluated: 2023-04-06. Review status: criteria provided, single submitter. Criteria: Invitae Variant Classification Sherloc (09022015). Collection method: clinical testing. Allele origin: germline.
Comment: This sequence change creates a premature translational stop signal (p.Leu76Serfs*57) in the SCARB2 gene. It is expected to result in an absent or disrupted protein product. Loss-of-function variants in SCARB2 are known to be pathogenic (PMID: 19847901). This variant is not present in population databases (gnomAD no frequency). This variant has not been reported in the literature in individuals affected with SCARB2-related conditions. For these reasons, this variant has been classified as Pathogenic.

Literature cited by the submitters: PubMed 19847901.